The following is an entry in ClinVar:

NM_021954.4(GJA3):c.98G>T (p.Arg33Leu)

Gene: GJA3 (gap junction protein alpha 3; minus strand). Cytogenetic location: 13q12.11.
Variant type: single nucleotide variant.
Coding change: c.98G>T on transcript NM_021954.4 (MANE Select); coding-DNA position 98, G replaced by T.
Protein change: p.Arg33Leu; replaces arginine 33 with leucine.
Molecular consequence: missense variant.
Genome position (GRCh38, 1-based): chr13:20,143,191, C>A on the plus strand (G>T on the coding strand, the complement: GJA3 is on the minus strand). VCF-style: chr13-20143191-C-A. GRCh37 (hg19) VCF-style: chr13-20717330-C-A.
Other names: short protein forms R33L.
Identifiers: ClinVar variation 1527965 (VCV001527965.3), dbSNP rs374701362, ClinGen allele CA387465726.
Genomic context (GRCh38, chr13:20,143,191, plus strand): 5'-GTGAAGTCTGACTGCTCATCGCCCCACACGTCCTCCGCCGCGGCCCCCAGCACCAAGATG[C>A]GGAAGATGAACAGCACGGTCAGCCAAACCTTGCCGATGACCGTGGAGTGCTCCTGTGCAT-3'
Protein context (NP_068773.2, residues 23-43): KVWLTVLFIF[Arg33Leu]ILVLGAAAED

ClinVar aggregate classification (germline): Likely pathogenic. Review status: criteria provided, multiple submitters, no conflicts (2 of 4 stars). 2 submissions from 2 submitters: Likely pathogenic (2). Last evaluated 2023-01-21.

Conditions:
Cataract 14 multiple types. Also called: CATARACT 14, COPPOCK-LIKE; CATARACT 14, NUCLEAR PULVERULENT AND POSTERIOR POLAR; CATARACT 14, NUCLEAR CORALLIFORM; CATARACT 14, EMBRYONAL NUCLEAR; CATARACT 14, ZONULAR PULVERULENT; CATARACT 14, NUCLEAR PULVERULENT. Identifiers: Orphanet 91492, MedGen C1866078, MONDO:0011162, OMIM 601885.

gnomAD v4.1: 2 of 1,594,986 alleles (0.00013%); highest among the groups gnomAD compares: South Asian, 0.0011%; no homozygotes.

Submissions (2):

Dept. Genetics and Cancer, Menzies Institute for Medical Research, University of Tasmania
Classification: Likely pathogenic for Cataract 14 multiple types. Last evaluated: 2023-01-21. Review status: criteria provided, single submitter. Criteria: ACMG Guidelines, 2015. Collection method: curation. Allele origin: germline. Affected: yes.
Comment: Variant identified and curated during a GJA3 specific review of the literature in relation to pediatric or congenital cataract. ACMG-AMP criteria applied: PP1(Strong), PM1, PM2(Supporting), PP3. Original variant report: PMID:17893674. The cataract phenotype reported for this variant is: Granular nuclear. Gene review and curation guidelines are outlined in: DOI 10.1080/17469899.2023.2160320

Provincial Medical Genetics Program of British Columbia, University of British Columbia
Classification: Likely pathogenic for Cataract 14 multiple types. Last evaluated: 2022-01-01. Review status: criteria provided, single submitter. Criteria: ACMG Guidelines, 2015. Collection method: clinical testing. Allele origin: germline. Affected: yes.

Literature cited by the submitters: PubMed 17893674 (cited by Dept. Genetics and Cancer, Menzies Institute for Medical Research, University of Tasmania).